The following is an entry in ClinVar:

ClinVar aggregate classification (germline): Pathogenic (1 of 4 stars; one submission).

Conditions:
Primary ciliary dyskinesia. Also called: Ciliary dyskinesia. Identifiers: Orphanet 244, MedGen C0008780, MONDO:0016575, HP:0012265.

Submission:

Labcorp Genetics (formerly Invitae), Labcorp
Classification: Pathogenic for Primary ciliary dyskinesia. Last evaluated: 2024-02-17. Review status: criteria provided, single submitter. Criteria: Invitae Variant Classification Sherloc (09022015). Collection method: clinical testing. Allele origin: germline.
Comment: This sequence change creates a premature translational stop signal (p.Gly2712Aspfs*32) in the DNAH5 gene. It is expected to result in an absent or disrupted protein product. Loss-of-function variants in DNAH5 are known to be pathogenic (PMID: 11788826, 16627867). This variant is not present in population databases (gnomAD no frequency). This variant has not been reported in the literature in individuals affected with DNAH5-related conditions. Algorithms developed to predict the effect of sequence changes on RNA splicing suggest that this variant may disrupt the consensus splice site. For these reasons, this variant has been classified as Pathogenic.

Literature cited by the submitters: PubMed 11788826; PubMed 16627867.

NM_001369.3(DNAH5):c.8135del (p.Gly2712fs)

Gene: DNAH5 (dynein axonemal heavy chain 5; minus strand). Cytogenetic location: 5p15.2.
Variant type: Deletion.
Coding change: c.8135del on transcript NM_001369.3 (MANE Select); coding-DNA position 8135, one base deleted (G; older notation c.8135delG).
Protein change: p.Gly2712fs; shifts the reading frame from glycine 2712.
Molecular consequence: frameshift variant.
Genome position (GRCh38, 1-based): chr5:13,793,604, C deleted on the plus strand (G on the coding strand, the reverse complement: DNAH5 is on the minus strand); the first of 2 consecutive C bases (chr5:13,793,604-13,793,605); deleting either gives the same sequence. VCF-style (leftmost placement, unchanged base first): chr5-13793603-TC-T. GRCh37 (hg19) VCF-style: chr5-13793712-TC-T.
Other names: short protein forms G2712fs.
Identifiers: ClinVar variation 3707509 (VCV003707509.2).